The following is an entry in ClinVar:

ClinVar aggregate classification (germline): Uncertain significance. Review status: criteria provided, multiple submitters, no conflicts (2 of 4 stars). 2 submissions from 2 submitters: Uncertain significance (2). Last evaluated 2025-08-07.

Conditions:
DICER1-related tumor predisposition. Also called: DICER1-related pleuropulmonary blastoma cancer predisposition syndrome; DICER1 syndrome. Identifiers: Orphanet 284343, MedGen C3839822, MONDO:0100216.
Hereditary cancer-predisposing syndrome. Also called: Neoplastic Syndromes, Hereditary; Hereditary Cancer Syndrome; Tumor predisposition; Hereditary neoplastic syndrome. Identifiers: Orphanet 140162, MedGen C0027672, MeSH D009386, MONDO:0015356.

Submissions (2):

Ambry Genetics
Classification: Uncertain significance for Hereditary cancer-predisposing syndrome. Last evaluated: 2025-08-07. Review status: criteria provided, single submitter. Criteria: Ambry Variant Classification Scheme 2023. Collection method: clinical testing. Allele origin: germline.
Comment: The p.Q1028R variant (also known as c.3083A>G), located in coding exon 18 of the DICER1 gene, results from an A to G substitution at nucleotide position 3083. The glutamine at codon 1028 is replaced by arginine, an amino acid with highly similar properties. This amino acid position is conserved. In addition, the in silico prediction for this alteration is inconclusive. Based on the available evidence, the clinical significance of this variant remains unclear.

Labcorp Genetics (formerly Invitae), Labcorp
Classification: Uncertain significance for DICER1-related tumor predisposition. Last evaluated: 2021-10-31. Review status: criteria provided, single submitter. Criteria: Invitae Variant Classification Sherloc (09022015). Collection method: clinical testing. Allele origin: germline.
Comment: This sequence change replaces glutamine, which is neutral and polar, with arginine, which is basic and polar, at codon 1028 of the DICER1 protein (p.Gln1028Arg). This variant is not present in population databases (gnomAD no frequency). This variant has not been reported in the literature in individuals affected with DICER1-related conditions. Algorithms developed to predict the effect of missense changes on protein structure and function are either unavailable or do not agree on the potential impact of this missense change (SIFT: "Tolerated"; PolyPhen-2: "Probably Damaging"; Align-GVGD: "Class C0"). In summary, the available evidence is currently insufficient to determine the role of this variant in disease. Therefore, it has been classified as a Variant of Uncertain Significance.

NM_177438.3(DICER1):c.3083A>G (p.Gln1028Arg)

Gene: DICER1 (dicer 1, ribonuclease III; minus strand). Cytogenetic location: 14q32.13.
Variant type: single nucleotide variant.
Coding change: c.3083A>G on transcript NM_177438.3 (MANE Select); coding-DNA position 3083, A replaced by G.
Protein change: p.Gln1028Arg; replaces glutamine 1028 with arginine.
Molecular consequence: missense variant.
Genome position (GRCh38, 1-based): chr14:95,105,688, T>C on the plus strand (A>G on the coding strand, the complement: DICER1 is on the minus strand). VCF-style: chr14-95105688-T-C. GRCh37 (hg19) VCF-style: chr14-95572025-T-C.
Other names: c.3083A>G (NM_177438.2); c.3083A>G, p.Gln1028Arg (NM_001195573.1, NM_001271282.3, NM_001291628.2 and 1 more transcripts); short protein forms Q1028R.
Identifiers: ClinVar variation 1434185 (VCV001434185.8), dbSNP rs2139994260, ClinGen allele CA390877127.